The following is an entry in ClinVar:

NM_020937.4(FANCM):c.4271G>A (p.Arg1424Gln)

Gene: FANCM (FA complementation group M; plus strand). Cytogenetic location: 14q21.2.
Variant type: single nucleotide variant.
Coding change: c.4271G>A on transcript NM_020937.4 (MANE Select); coding-DNA position 4271, G replaced by A.
Protein change: p.Arg1424Gln; replaces arginine 1424 with glutamine.
Molecular consequence: missense variant.
Genome position (GRCh38, 1-based): chr14:45,181,478, G>A. VCF-style: chr14-45181478-G-A. GRCh37 (hg19) VCF-style: chr14-45650681-G-A.
Other names: c.4271G>A (NM_020937.2); c.4193G>A, p.Arg1398Gln (NM_001308133.2); short protein forms R1424Q, R1398Q.
Identifiers: ClinVar variation 1374534 (VCV001374534.10), dbSNP rs1393856350, ClinGen allele CA389607046.

ClinVar aggregate classification (germline): Conflicting classifications of pathogenicity. Review status: criteria provided, conflicting classifications (1 of 4 stars). 3 submissions from 3 submitters: Uncertain significance (2); Likely benign (1). Last evaluated 2024-11-18.

Conditions:
Inborn genetic diseases. Identifiers: MedGen C0950123, MeSH D030342.
Fanconi anemia (FA). Also called: Fanconi's anemia. Identifiers: Orphanet 84, MedGen C0015625, MeSH D005199, MONDO:0019391.

Allele frequency attached by ClinVar (database versions not stated): gnomAD exomes below 0.00001; TOPMed 0.00001; gnomAD 0.00002.
gnomAD v4.1: 14 of 1,608,426 alleles (0.00087%); highest among the groups gnomAD compares: African/African-American, 0.0027%; no homozygotes.

Submissions (3):

Ambry Genetics
Classification: Likely benign for Inborn genetic diseases. Last evaluated: 2024-11-18. Review status: criteria provided, single submitter. Criteria: Ambry Variant Classification Scheme 2023. Collection method: clinical testing. Allele origin: germline.

GeneDx
Classification: Uncertain significance. Last evaluated: 2023-11-29. Review status: criteria provided, single submitter. Criteria: GeneDx Variant Classification Process June 2021. Collection method: clinical testing. Allele origin: germline. Affected: yes.
Comment: Not observed at significant frequency in large population cohorts (gnomAD); In silico analysis supports that this missense variant does not alter protein structure/function; Has not been previously published as pathogenic or benign to our knowledge

Labcorp Genetics (formerly Invitae), Labcorp
Classification: Uncertain significance for Fanconi anemia. Last evaluated: 2023-10-29. Review status: criteria provided, single submitter. Criteria: Invitae Variant Classification Sherloc (09022015). Collection method: clinical testing. Allele origin: germline.
Comment: This sequence change replaces arginine, which is basic and polar, with glutamine, which is neutral and polar, at codon 1424 of the FANCM protein (p.Arg1424Gln). This variant is present in population databases (no rsID available, gnomAD 0.007%). This variant has not been reported in the literature in individuals affected with FANCM-related conditions. ClinVar contains an entry for this variant (Variation ID: 1374534). Algorithms developed to predict the effect of missense changes on protein structure and function output the following: SIFT: "Not Available"; PolyPhen-2: "Benign"; Align-GVGD: "Not Available". The glutamine amino acid residue is found in multiple mammalian species, which suggests that this missense change does not adversely affect protein function. In summary, the available evidence is currently insufficient to determine the role of this variant in disease. Therefore, it has been classified as a Variant of Uncertain Significance.